The following is an entry in ClinVar:

ClinVar aggregate classification (germline): Pathogenic. Review status: criteria provided, multiple submitters, no conflicts (2 of 4 stars). 4 submissions from 4 submitters: Pathogenic (2). 2 of the submissions do not count toward it. Last evaluated 2023-11-22.

Conditions:
PRG4-related disorder. Also called: PRG4-related condition.
Camptodactyly-arthropathy-coxa vara-pericarditis syndrome. Also called: JACOBS SYNDROME; PAC SYNDROME; FIBROSING SEROSITIS, FAMILIAL; Arthropathy camptodactyly syndrome; Pericarditis arthropathy camptodactyly syndrome; Congenital familial hypertrophic synovitis. Identifiers: Orphanet 2848, MedGen C1859690, MONDO:0008828, OMIM 208250.

Submissions (4):

3billion
Classification: Pathogenic for Camptodactyly-arthropathy-coxa vara-pericarditis syndrome. Last evaluated: 2023-11-22. Review status: criteria provided, single submitter. Criteria: ACMG Guidelines, 2015. Collection method: clinical testing. Allele origin: germline. Affected: yes.
Comment: The variant is observed at an extremely low frequency in the gnomAD v2.1.1 dataset (total allele frequency: 0.002%). Predicted Consequence/Location: Stop-gained (nonsense): predicted to result in a loss or disruption of normal protein function through nonsense-mediated decay (NMD) or protein truncation. Multiple pathogenic variants are reported downstream of the variant. The variant has been reported at least twice as pathogenic without evidence for the classification (ClinVar ID: VCV000992974 /PMID: 10545950). Therefore, this variant is classified as Pathogenic according to the recommendation of ACMG/AMP guideline.

Blueprint Genetics
Classification: Pathogenic for PRG4-related disorders. Last evaluated: 2022-10-13. Review status: criteria provided, single submitter. Criteria: ACMG Guidelines, 2015. Collection method: clinical testing. Allele origin: germline. Affected: yes. Observed: 1 variant allele.

Biochemical Molecular Genetic Laboratory, King Abdulaziz Medical City
Classification: Pathogenic for Camptodactyly-arthropathy-coxa vara-pericarditis syndrome. Last evaluated: 2020-09-10. Review status: no assertion criteria provided. Collection method: clinical testing. Allele origin: germline. Affected: yes. Not counted in ClinVar's aggregate classification.

OMIM
Classification: Pathogenic for CAMPTODACTYLY-ARTHROPATHY-COXA VARA-PERICARDITIS SYNDROME. Last evaluated: 1999-11-01. Review status: no assertion criteria provided. Collection method: literature only. Allele origin: germline. Not counted in ClinVar's aggregate classification.

Literature cited by the submitters: PubMed 10545950 (cited by 3billion and OMIM).

NM_005807.6(PRG4):c.3254_3260del (p.Asn1084_Ser1085insTer)

Gene: PRG4 (proteoglycan 4; plus strand). Cytogenetic location: 1q31.1.
Variant type: Microsatellite.
Coding change: c.3254_3260del on transcript NM_005807.6 (MANE Select); coding-DNA positions 3254 to 3260, 7 bases deleted (CCAAACT; older notation c.3254_3260delCCAAACT).
Protein change: p.Asn1084_Ser1085insTer.
Molecular consequence: nonsense.
Genome position (GRCh38, 1-based): chr1:186,308,973-186,308,979, CCAAACT deleted; deleting any 7 consecutive bases within chr1:186,308,959-186,308,979 gives the same sequence; the c. name uses the placement nearest the transcript's 3' end. VCF-style (leftmost placement, unchanged base first): chr1-186308958-ACCAAACT-A. GRCh37 (hg19) VCF-style: chr1-186278090-ACCAAACT-A.
Other names: c.3131_3137del, p.Asn1043_Ser1044insTer (NM_001127708.3); c.2975_2981del, p.Asn991_Ser992insTer (NM_001127709.3); c.2852_2858del, p.Asn950_Ser951insTer (NM_001127710.3); c.3125_3131del, p.Asn1041_Ser1042insTer (NM_001303232.2).
Identifiers: ClinVar variation 992974 (VCV000992974.5), dbSNP rs769917456, ClinGen allele CA1296572.